The following is an entry in ClinVar:

ClinVar aggregate classification (germline): Likely pathogenic (1 of 4 stars; one submission).

Conditions:
Noonan syndrome 4 (NS4). Also called: SOS1-Related Noonan Syndrome; NOONAN SYNDROME WITH PIGMENTED VILLONODULAR SYNOVITIS. Identifiers: Orphanet 648, MedGen C1853120, MONDO:0012547, OMIM 610733.

Submission:

3billion
Classification: Likely pathogenic for Noonan syndrome 4. Last evaluated: 2025-11-13. Review status: criteria provided, single submitter. Criteria: ACMG Guidelines, 2015. Collection method: clinical testing. Allele origin: germline. Affected: yes.
Comment: The variant is not observed in the gnomAD v4.1.0 dataset. Predicted Consequence/Location: The variant is located in a mutational hot spot and/or well-established functional domain in which established pathogenic variants have been reported (PMID: 29493581). Missense variant. Missense changes are a common disease-causing mechanism. In silico tool predictions suggest damaging effect of the variant on gene or gene product [REVEL: 0.88 (>=0.6, sensitivity 0.68 and specificity 0.92); 3Cnet: 0.97 (> 0.75, sensitivity 0.96 and precision 0.92)]. Different missense changes at the same codon have been reported as of uncertain significance (ClinVar ID: VCV000280922, VCV003641652). Therefore, this variant is classified as Likely pathogenic according to the recommendation of ACMG/AMP guideline.

NM_005633.4(SOS1):c.1372G>A (p.Glu458Lys)

Gene: SOS1 (SOS Ras/Rac guanine nucleotide exchange factor 1; minus strand). Cytogenetic location: 2p22.1.
Variant type: single nucleotide variant.
Coding change: c.1372G>A on transcript NM_005633.4 (MANE Select); coding-DNA position 1372, G replaced by A.
Protein change: p.Glu458Lys; replaces glutamic acid 458 with lysine.
Molecular consequence: missense variant.
Genome position (GRCh38, 1-based): chr2:39,023,056, C>T on the plus strand (G>A on the coding strand, the complement: SOS1 is on the minus strand). VCF-style: chr2-39023056-C-T. GRCh37 (hg19) VCF-style: chr2-39250197-C-T.
Other names: c.1351G>A, p.Glu451Lys (NM_001382394.1); c.1372G>A, p.Glu458Lys (NM_001382395.1); short protein forms E451K, E458K.
Identifiers: ClinVar variation 4854832 (VCV004854832.1).
Genomic context (GRCh38, chr2:39,023,056, plus strand): 5'-GCTGCCCATGATTTGATTTACAGCAAATCATTAAGCCATCAAAGAGAAATATGTGTCTCT[C>T]ATGTTTGGCTCCTACACGTGTAAGAGTTCCTTCCATTATAAATTCATTACAACACTGTCC-3'
Protein context (NP_005624.2, residues 448-468): GTLTRVGAKH[Glu458Lys]RHIFLFDGLM